The following is an entry in ClinVar:

ClinVar aggregate classification (germline): Uncertain significance. Review status: criteria provided, multiple submitters, no conflicts (2 of 4 stars). 11 submissions from 11 submitters: Uncertain significance (9). 2 of the submissions do not count toward it. Last evaluated 2025-09-17.

Conditions:
Marfan syndrome (MFS). Also called: Marfan syndrome, classic; Marfan syndrome type 1; Marfan's syndrome; FBN1-Related Marfan Syndrome; MARFAN SYNDROME, TYPE I. Identifiers: Orphanet 284963, Orphanet 558, MedGen C0024796, MONDO:0007947, OMIM 154700.
Familial thoracic aortic aneurysm and aortic dissection (TAAD). Also called: Thoracic aortic aneurysms and dissections. Identifiers: Orphanet 91387, MedGen C4707243, MONDO:0019625.

Allele frequency attached by ClinVar (database versions not stated): gnomAD exomes 0.00001; gnomAD 0.00003; TOPMed 0.00003.
gnomAD v4.1: 18 of 1,612,912 alleles (0.0011%); highest among the groups gnomAD compares: South Asian, 0.0033%; no homozygotes.

Submissions (11):

GeneDx
Classification: Uncertain significance. Last evaluated: 2025-09-17. Review status: criteria provided, single submitter. Criteria: GeneDx Variant Classification Process June 2021. Collection method: clinical testing. Allele origin: germline. Affected: yes.
Comment: Has not been previously published as pathogenic or benign to our knowledge; Not observed at significant frequency in large population cohorts (gnomAD); In silico analysis supports that this missense variant has a deleterious effect on protein structure/function; Does not affect a cysteine or calcium-binding residue within an EGF-like domain or a TGF-binding protein domain of the FBN1 gene; cysteine substitutions in the EGF-like domains represent the majority of pathogenic missense changes associated with FBN1-related disorders (PMID: 12938084); This variant is associated with the following publications: (PMID: 12938084)

Mayo Clinic Laboratories, Mayo Clinic
Classification: Uncertain significance. Last evaluated: 2025-09-13. Review status: criteria provided, single submitter. Criteria: ACMG Guidelines, 2015. Collection method: clinical testing. Allele origin: germline. Observed: 1 variant allele.
Comment: PP2

Women's Health and Genetics/Laboratory Corporation of America, LabCorp
Classification: Uncertain significance. Last evaluated: 2025-02-10. Review status: criteria provided, single submitter. Criteria: LabCorp Variant Classification Summary - May 2015. Collection method: clinical testing. Allele origin: germline.
Comment: Variant summary: FBN1 c.7684G>A (p.Gly2562Ser) results in a non-conservative amino acid change in the encoded protein sequence. Five of five in-silico tools predict a damaging effect of the variant on protein function. The variant allele was found at a frequency of 1.2e-05 in 249628 control chromosomes. The available data on variant occurrences in the general population are insufficient to allow any conclusion about variant significance. To our knowledge, no occurrence of c.7684G>A in individuals affected with Aortopathy and no experimental evidence demonstrating its impact on protein function have been reported. ClinVar contains an entry for this variant (Variation ID: 922931). Based on the evidence outlined above, the variant was classified as uncertain significance.

Ambry Genetics
Classification: Uncertain significance for Familial thoracic aortic aneurysm and aortic dissection. Last evaluated: 2025-01-10. Review status: criteria provided, single submitter. Criteria: Ambry Variant Classification Scheme 2023. Collection method: clinical testing. Allele origin: germline.
Comment: The p.G2562S variant (also known as c.7684G>A), located in coding exon 61 of the FBN1 gene, results from a G to A substitution at nucleotide position 7684. The glycine at codon 2562 is replaced by serine, an amino acid with similar properties. This amino acid position is highly conserved in available vertebrate species. In addition, the in silico prediction for this alteration is inconclusive. Since supporting evidence is limited at this time, the clinical significance of this alteration remains unclear.

Labcorp Genetics (formerly Invitae), Labcorp
Classification: Uncertain significance for Marfan syndrome; Familial thoracic aortic aneurysm and aortic dissection. Last evaluated: 2024-08-06. Review status: criteria provided, single submitter. Criteria: Invitae Variant Classification Sherloc (09022015). Collection method: clinical testing. Allele origin: germline.
Comment: This sequence change replaces glycine, which is neutral and non-polar, with serine, which is neutral and polar, at codon 2562 of the FBN1 protein (p.Gly2562Ser). This variant is present in population databases (no rsID available, gnomAD 0.006%). This variant has not been reported in the literature in individuals affected with FBN1-related conditions. ClinVar contains an entry for this variant (Variation ID: 922931). Advanced modeling of protein sequence and biophysical properties (such as structural, functional, and spatial information, amino acid conservation, physicochemical variation, residue mobility, and thermodynamic stability) performed at Invitae indicates that this missense variant is expected to disrupt FBN1 protein function with a positive predictive value of 95%. In summary, the available evidence is currently insufficient to determine the role of this variant in disease. Therefore, it has been classified as a Variant of Uncertain Significance.

All of Us Research Program, National Institutes of Health
Classification: Uncertain significance for Marfan syndrome. Last evaluated: 2024-06-09. Review status: criteria provided, single submitter. Criteria: ACMG Guidelines, 2015. Collection method: clinical testing. Allele origin: germline. Inheritance: Autosomal dominant inheritance. Observed: 9 variant alleles, 9 heterozygotes.
Comment: This missense variant replaces glycine with serine at codon 2562 of the FBN1 protein. Computational prediction is inconclusive regarding the impact of this variant on protein structure and function (internally defined REVEL score threshold 0.5 < inconclusive < 0.7, PMID: 27666373). Splice site prediction tools suggest that this variant may not impact RNA splicing. To our knowledge, functional studies have not been performed for this variant. This variant has not been reported in individuals affected with cardiovascular disorders in the literature. This variant has been identified in 3/249628 chromosomes in the general population by the Genome Aggregation Database (gnomAD). The available evidence is insufficient to determine the role of this variant in disease conclusively. Therefore, this variant is classified as a Variant of Uncertain Significance.

This study involves interpretation of variants in research participants for the purpose of population health screening. Participant phenotype was not available at the time of variant classification. Additional details can be found in publication PMID: 35346344, PMCID: PMC8962531

Color Diagnostics, LLC DBA Color Health
Classification: Uncertain significance for Familial thoracic aortic aneurysm and aortic dissection. Last evaluated: 2024-02-09. Review status: criteria provided, single submitter. Criteria: ACMG Guidelines, 2015. Collection method: clinical testing. Allele origin: germline.
Comment: This missense variant replaces glycine with serine at codon 2562 of the FBN1 protein. Computational prediction tools indicate that this variant's impact on protein structure and function is inconclusive. To our knowledge, functional studies have not been reported for this variant. This variant has not been reported in individuals affected with FBN1-related disorders in the literature. This variant has been identified in 3/249628 chromosomes in the general population by the Genome Aggregation Database (gnomAD). The available evidence is insufficient to determine the role of this variant in disease conclusively. Therefore, this variant is classified as a Variant of Uncertain Significance.

CHEO Genetics Diagnostic Laboratory, Children's Hospital of Eastern Ontario
Classification: Uncertain significance for Familial thoracic aortic aneurysm and aortic dissection. Last evaluated: 2023-02-16. Review status: criteria provided, single submitter. Criteria: ACMG Guidelines, 2015. Collection method: clinical testing. Allele origin: germline.

Blueprint Genetics
Classification: Uncertain significance. Last evaluated: 2022-12-21. Review status: criteria provided, single submitter. Criteria: ACMG Guidelines, 2015. Collection method: clinical testing. Allele origin: germline.

Clinical Genetics DNA and cytogenetics Diagnostics Lab, Erasmus MC, Erasmus Medical Center
Classification: Uncertain significance. Review status: no assertion criteria provided. Collection method: clinical testing. Allele origin: germline. Affected: yes. Study: VKGL Data-share Consensus. Not counted in ClinVar's aggregate classification.

Laboratory of Diagnostic Genome Analysis, Leiden University Medical Center (LUMC)
Classification: Uncertain significance. Review status: no assertion criteria provided. Collection method: clinical testing. Allele origin: germline. Affected: yes. Study: VKGL Data-share Consensus. Not counted in ClinVar's aggregate classification.

NM_000138.5(FBN1):c.7684G>A (p.Gly2562Ser)

Gene: FBN1 (fibrillin 1; minus strand). Cytogenetic location: 15q21.1.
Variant type: single nucleotide variant.
Coding change: c.7684G>A on transcript NM_000138.5 (MANE Select); coding-DNA position 7684, G replaced by A.
Protein change: p.Gly2562Ser; replaces glycine 2562 with serine.
Molecular consequence: missense variant.
Genome position (GRCh38, 1-based): chr15:48,421,573, C>T on the plus strand (G>A on the coding strand, the complement: FBN1 is on the minus strand). VCF-style: chr15-48421573-C-T. GRCh37 (hg19) VCF-style: chr15-48713770-C-T.
Other names: p.Gly2562Ser; short protein forms G2562S.
Identifiers: ClinVar variation 922931 (VCV000922931.28), dbSNP rs1397580172, ClinGen allele CA392324972.